The following is an entry in ClinVar:

NM_033118.4(MYLK2):c.96_97delinsCC (p.Gly33Arg)

Gene: MYLK2 (myosin light chain kinase 2; plus strand). Cytogenetic location: 20q11.21.
Variant type: Indel.
Coding change: c.96_97delinsCC on transcript NM_033118.4 (MANE Select); coding-DNA positions 96 to 97, AG replaced by CC.
Protein change: p.Gly33Arg; replaces glycine 33 with arginine.
Molecular consequence: missense variant.
Genome position (GRCh38, 1-based): chr20:31,820,169-31,820,170, AG replaced by CC. VCF-style: chr20-31820169-AG-CC. GRCh37 (hg19) VCF-style: chr20-30407972-AG-CC.
Other names: c.96_97delAGinsCC (NM_033118.3); short protein forms G33R.
Identifiers: ClinVar variation 567184 (VCV000567184.7), dbSNP rs1568626448, ClinGen allele CA891843762.
Genomic context (GRCh38, chr20:31,820,169, plus strand): 5'-TCTCACCTCCTCTGCAGACAAGGCACCTAAAGGTCCCACAGGTGAAAGACCCCTGGCTGC[AG>CC]GGAAAGACCCTGGCCCCCCAGACCCAAAGAAAGCTCCGGATCCACCCACCCTGAAGAAAG-3'
Protein context (NP_149109.1, residues 23-43): GPTGERPLAA[Gly33Arg]KDPGPPDPKK

ClinVar aggregate classification (germline): Uncertain significance (1 of 4 stars; one submission).

Conditions:
Hypertrophic cardiomyopathy 1 (CMH1). Also called: MYH7-Related Familial Hypertrophic Cardiomyopathy; Familial hypertrophic cardiomyopathy 1. Identifiers: MedGen C3495498, MONDO:0008647, OMIM 192600.

Submission:

Labcorp Genetics (formerly Invitae), Labcorp
Classification: Uncertain significance for Hypertrophic cardiomyopathy 1. Last evaluated: 2022-03-15. Review status: criteria provided, single submitter. Criteria: Invitae Variant Classification Sherloc (09022015). Collection method: clinical testing. Allele origin: germline.
Comment: This sequence change replaces glycine, which is neutral and non-polar, with arginine, which is basic and polar, at codon 33 of the MYLK2 protein (p.Gly33Arg). Information on the frequency of this variant in the gnomAD database is not available, as this variant may be reported differently in the database. This variant has not been reported in the literature in individuals affected with MYLK2-related conditions. ClinVar contains an entry for this variant (Variation ID: 567184). Experimental studies and prediction algorithms are not available or were not evaluated, and the functional significance of this variant is currently unknown. In summary, the available evidence is currently insufficient to determine the role of this variant in disease. Therefore, it has been classified as a Variant of Uncertain Significance.